The following is an entry in ClinVar:

NM_001276270.2(MBD4):c.1539C>G (p.Phe513Leu)

Gene: MBD4 (methyl-CpG binding domain 4, DNA glycosylase; minus strand). Cytogenetic location: 3q21.3.
Variant type: single nucleotide variant.
Coding change: c.1539C>G on transcript NM_001276270.2 (MANE Select); coding-DNA position 1539, C replaced by G.
Protein change: p.Phe513Leu; replaces phenylalanine 513 with leucine.
Molecular consequence: missense variant.
Genome position (GRCh38, 1-based): chr3:129,433,102, G>C on the plus strand (C>G on the coding strand, the complement: MBD4 is on the minus strand). VCF-style: chr3-129433102-G-C. GRCh37 (hg19) VCF-style: chr3-129151945-G-C.
Other names: c.1557C>G, p.Phe519Leu (NM_001276271.2, NM_001276272.2, NM_003925.3); c.603C>G, p.Phe201Leu (NM_001276273.2); short protein forms F201L, F513L, F519L.
Identifiers: ClinVar variation 3723856 (VCV003723856.2).
Genomic context (GRCh38, chr3:129,433,102, plus strand): 5'-CTCTCTTAAATAAGCACAATGTATTATGTTTTTCCTTTGGGTGTATAGGAAAATACCTGA[G>C]AACTTGACAATGGTTTTTGCCCGAAGATCGTAGAGACCAAGAGGTTTAAGAAGTTCTGAC-3'
Protein context (NP_001263199.1, residues 503-523): YDLRAKTIVK[Phe513Leu]SDEYLTKQWK

ClinVar aggregate classification (germline): Uncertain significance (1 of 4 stars; one submission).

Submission:

Labcorp Genetics (formerly Invitae), Labcorp
Classification: Uncertain significance. Last evaluated: 2024-10-27. Review status: criteria provided, single submitter. Criteria: Invitae Variant Classification Sherloc (09022015). Collection method: clinical testing. Allele origin: germline.
Comment: This sequence change replaces phenylalanine, which is neutral and non-polar, with leucine, which is neutral and non-polar, at codon 519 of the MBD4 protein (p.Phe519Leu). This variant is not present in population databases (gnomAD no frequency). This variant has not been reported in the literature in individuals affected with MBD4-related conditions. An algorithm developed to predict the effect of missense changes on protein structure and function (PolyPhen-2) suggests that this variant is likely to be disruptive. In summary, the available evidence is currently insufficient to determine the role of this variant in disease. Therefore, it has been classified as a Variant of Uncertain Significance.